The following is an entry in ClinVar:

ClinVar aggregate classification (germline): Uncertain significance. Review status: criteria provided, multiple submitters, no conflicts (2 of 4 stars). 7 submissions from 7 submitters: Uncertain significance (7). Last evaluated 2026-10-02.

Conditions:
TK2-related disorder. Also called: TK2-related condition.
Inborn genetic diseases. Identifiers: MedGen C0950123, MeSH D030342.
Mitochondrial DNA depletion syndrome, myopathic form (MTDPS2). Also called: MITOCHONDRIAL DNA DEPLETION MYOPATHY, TK2-RELATED; TK2-Related Mitochondrial DNA Maintenance Defect, Myopathic Form; MITOCHONDRIAL DNA DEPLETION SYNDROME 2 (MYOPATHIC TYPE). Identifiers: Orphanet 254875, MedGen C3149750, MONDO:0012301, OMIM 609560.

Allele frequency attached by ClinVar (database versions not stated): gnomAD exomes 0.00005 and 0.00010; gnomAD 0.00007 and 0.00008; ExAC 0.00005; TOPMed 0.00010; ESP Exome Variant Server 0.00023.
gnomAD v4.1: 160 of 1,613,836 alleles (0.0099%); highest among the groups gnomAD compares: Non-Finnish European, 0.013%; no homozygotes.

Submissions (7):

GeneDx
Classification: Uncertain significance. Last evaluated: 2026-10-02. Review status: criteria provided, single submitter. Criteria: GeneDx Variant Classification Process June 2021. Collection method: clinical testing. Allele origin: germline.
Comment: Not observed at significant frequency in large population cohorts (gnomAD); In silico analysis supports that this missense variant has a deleterious effect on protein structure/function; Has not been previously published as pathogenic or benign to our knowledge

Mayo Clinic Laboratories, Mayo Clinic
Classification: Uncertain significance. Last evaluated: 2025-10-19. Review status: criteria provided, single submitter. Criteria: ACMG Guidelines, 2015. Collection method: clinical testing. Allele origin: germline. Observed: 1 variant allele.
Comment: PP3_moderate, PM2_supporting

PreventionGenetics, part of Exact Sciences
Classification: Uncertain significance for TK2-related condition. Last evaluated: 2025-08-18. Review status: criteria provided, single submitter. Criteria: ACMG Guidelines, 2015. Collection method: clinical testing. Allele origin: germline.
Comment: The TK2 c.620A>T variant is predicted to result in the amino acid substitution p.Glu207Val. To our knowledge, this variant has not been reported in the literature. This variant is reported in 0.011% of alleles in individuals of European (Non-Finnish) descent in gnomAD. At this time, the clinical significance of this variant is uncertain due to the absence of conclusive functional and genetic evidence.

Blueprint Genetics
Classification: Uncertain significance. Last evaluated: 2024-09-15. Review status: criteria provided, single submitter. Criteria: ACMG Guidelines, 2015. Collection method: clinical testing. Allele origin: germline.

Ambry Genetics
Classification: Uncertain significance for Inborn genetic diseases. Last evaluated: 2023-12-06. Review status: criteria provided, single submitter. Criteria: Ambry Variant Classification Scheme 2023. Collection method: clinical testing. Allele origin: germline.

Labcorp Genetics (formerly Invitae), Labcorp
Classification: Uncertain significance. Last evaluated: 2022-10-28. Review status: criteria provided, single submitter. Criteria: Invitae Variant Classification Sherloc (09022015). Collection method: clinical testing. Allele origin: germline.
Comment: This sequence change replaces glutamic acid, which is acidic and polar, with valine, which is neutral and non-polar, at codon 207 of the TK2 protein (p.Glu207Val). This variant is present in population databases (rs141225776, gnomAD 0.01%). This variant has not been reported in the literature in individuals affected with TK2-related conditions. ClinVar contains an entry for this variant (Variation ID: 887483). Algorithms developed to predict the effect of missense changes on protein structure and function are either unavailable or do not agree on the potential impact of this missense change (SIFT: "Deleterious"; PolyPhen-2: "Probably Damaging"; Align-GVGD: "Class C15"). In summary, the available evidence is currently insufficient to determine the role of this variant in disease. Therefore, it has been classified as a Variant of Uncertain Significance.

Illumina Laboratory Services, Illumina
Classification: Uncertain significance for Mitochondrial DNA depletion syndrome, myopathic form. Last evaluated: 2017-04-27. Review status: criteria provided, single submitter. Criteria: ICSL Variant Classification Criteria 13 December 2019. Collection method: clinical testing. Allele origin: germline.

NM_004614.5(TK2):c.620A>T (p.Glu207Val)

Gene: TK2 (thymidine kinase 2; minus strand). Cytogenetic location: 16q21.
Variant type: single nucleotide variant.
Coding change: c.620A>T on transcript NM_004614.5 (MANE Select); coding-DNA position 620, A replaced by T.
Protein change: p.Glu207Val; replaces glutamic acid 207 with valine.
Molecular consequence: missense variant. On other transcripts: non-coding transcript variant (1).
Genome position (GRCh38, 1-based): chr16:66,513,810, T>A on the plus strand (A>T on the coding strand, the complement: TK2 is on the minus strand). VCF-style: chr16-66513810-T-A. GRCh37 (hg19) VCF-style: chr16-66547713-T-A.
Other names: p.Glu207Val; c.527A>T, p.Glu176Val (NM_001172643.1); c.545A>T, p.Glu182Val (NM_001172644.2); c.566A>T, p.Glu189Val (NM_001172645.2); c.473A>T, p.Glu158Val (NM_001271934.2); c.358A>T, p.Asn120Tyr (NM_001271935.1); c.329A>T, p.Glu110Val (NM_001272050.2); short protein forms E158V, E182V, E176V, E189V, E207V, N120Y, E110V.
Identifiers: ClinVar variation 887483 (VCV000887483.15), dbSNP rs141225776, ClinGen allele CA8093595.